The following is an entry in ClinVar:

NM_016207.4(CPSF3):c.1418A>G (p.Lys473Arg)

Gene: CPSF3 (cleavage and polyadenylation specific factor 3; plus strand). Cytogenetic location: 2p25.1.
Variant type: single nucleotide variant.
Coding change: c.1418A>G on transcript NM_016207.4 (MANE Select); coding-DNA position 1418, A replaced by G.
Protein change: p.Lys473Arg; replaces lysine 473 with arginine.
Molecular consequence: missense variant.
Genome position (GRCh38, 1-based): chr2:9,452,935, A>G. VCF-style: chr2-9452935-A-G. GRCh37 (hg19) VCF-style: chr2-9593064-A-G.
Other names: c.1307A>G, p.Lys436Arg (NM_001321833.2, NM_001321834.2); c.1001A>G, p.Lys334Arg (NM_001321835.2); c.1430A>G, p.Lys477Arg (NM_001321836.2); short protein forms K334R, K436R, K473R, K477R.
Identifiers: ClinVar variation 2650663 (VCV002650663.24), dbSNP rs1128215, ClinGen allele CA1522672.

ClinVar aggregate classification (germline): Likely benign (1 of 4 stars; one submission).

Allele frequency attached by ClinVar (database versions not stated): 1000 Genomes Project 30x 0.00328; 1000 Genomes Project 0.00339; gnomAD 0.00433; ESP Exome Variant Server 0.00454; ExAC 0.00456; TOPMed 0.00505; gnomAD exomes 0.00631.
gnomAD v4.1: 9,901 of 1,602,796 alleles (0.62%); highest among the groups gnomAD compares: Middle Eastern, 1.6%; 53 homozygotes.

Submission:

CeGaT Center for Human Genetics Tuebingen
Classification: Likely benign. Last evaluated: 2026-09-01. Review status: criteria provided, single submitter. Criteria: CeGaT Center For Human Genetics Tuebingen Variant Classification Criteria Version 2. Collection method: clinical testing. Allele origin: germline. Affected: yes. Observed: 7 variant alleles.
Comment: CPSF3: BS2